The following is an entry in ClinVar:

ClinVar aggregate classification (germline): Benign/Likely benign. Review status: criteria provided, multiple submitters, no conflicts (2 of 4 stars). 10 submissions from 10 submitters: Benign (2); Likely benign (6). 2 of the submissions do not count toward it. Last evaluated 2026-04-14.

Conditions:
ABCB11-related disorder. Also called: ABCB11-related condition.
Familial intrahepatic cholestasis. Identifiers: Orphanet 284385, MedGen CN296401, MONDO:0017290.
Progressive familial intrahepatic cholestasis type 2. Identifiers: Orphanet 79304, MedGen C3489789, MONDO:0011156, OMIM 601847.

Allele frequency attached by ClinVar (database versions not stated): gnomAD exomes 0.00060; ExAC 0.00078; 1000 Genomes Project 30x 0.00234; 1000 Genomes Project 0.00240; gnomAD 0.00251 and 0.00273; TOPMed 0.00281; ESP Exome Variant Server 0.00289.
gnomAD v4.1: 785 of 1,613,962 alleles (0.049%); highest among the groups gnomAD compares: African/African-American, 0.83%; 2 homozygotes.

Submissions (10):

Genomenon, Inc
Classification: Likely benign for Familial intrahepatic cholestasis. Last evaluated: 2026-04-14. Review status: criteria provided, single submitter. Criteria: Genomenon Sequence Variant Interpretation Standards - Updated. Collection method: curation. Allele origin: germline. Affected: no.
Comment: ABCB11 c.2943C>T is a synonymous variant that retains Tyrosine at residue 981. This variant has been reported in the published literature (PMID:16763017;22795478). This synonymous variant is not predicted to impact splicing. This variant's allele frequency in gnomAD is greater than expected for this disorder. In conclusion, we classify ABCB11 p.Tyr981= (c.2943C>T) as a likely benign variant.

Labcorp Genetics (formerly Invitae), Labcorp
Classification: Benign. Last evaluated: 2026-01-28. Review status: criteria provided, single submitter. Criteria: Invitae Variant Classification Sherloc (09022015). Collection method: clinical testing. Allele origin: germline.

Blueprint Genetics
Classification: Likely benign. Last evaluated: 2024-05-28. Review status: criteria provided, single submitter. Criteria: ACMG Guidelines, 2015. Collection method: clinical testing. Allele origin: germline.

CeGaT Center for Human Genetics Tuebingen
Classification: Likely benign. Last evaluated: 2023-03-01. Review status: criteria provided, single submitter. Criteria: CeGaT Center For Human Genetics Tuebingen Variant Classification Criteria Version 2. Collection method: clinical testing. Allele origin: germline. Affected: yes. Observed: 1 variant allele.
Comment: ABCB11: BP4, BP7

Illumina Laboratory Services, Illumina
Classification: Likely benign for Progressive familial intrahepatic cholestasis type 2. Last evaluated: 2018-01-12. Review status: criteria provided, single submitter. Criteria: ICSL Variant Classification Criteria 13 December 2019. Collection method: clinical testing. Allele origin: germline.
Comment: This variant was observed in the ICSL laboratory as part of a predisposition screen in an ostensibly healthy population. It had not been previously curated by ICSL or reported in the Human Gene Mutation Database (HGMD: prior to June 1st, 2018), and was therefore a candidate for classification through an automated scoring system. Utilizing variant allele frequency, disease prevalence and penetrance estimates, and inheritance mode, an automated score was calculated to assess if this variant is too frequent to cause the disease. Based on the score and internal cut-off values, a variant classified as likely benign is not then subjected to further curation. The score for this variant resulted in a classification of likely benign for this disease.

GeneDx
Classification: Likely benign. Last evaluated: 2016-08-02. Review status: criteria provided, single submitter. Criteria: GeneDx Variant Classification (06012015). Collection method: clinical testing. Allele origin: germline. Affected: yes.
Comment: This variant is considered likely benign or benign based on one or more of the following criteria: it is a conservative change, it occurs at a poorly conserved position in the protein, it is predicted to be benign by multiple in silico algorithms, and/or has population frequency not consistent with disease.

Eurofins Ntd Llc (ga)
Classification: Benign. Last evaluated: 2015-05-14. Review status: criteria provided, single submitter. Criteria: EGL Classification Definitions 2015. Collection method: clinical testing. Allele origin: germline. Observed: 1 variant allele, 1 heterozygote.

Breakthrough Genomics
Classification: Likely benign. Review status: criteria provided, single submitter. Criteria: ACMG Guidelines, 2015. Collection method: not provided. Allele origin: germline. Inheritance: Autosomal recessive inheritance. Affected: yes.

Natera, Inc.
Classification: Uncertain significance for Progressive familial intrahepatic cholestasis type 2. Last evaluated: 2020-01-08. Review status: no assertion criteria provided. Collection method: clinical testing. Allele origin: germline. Not counted in ClinVar's aggregate classification.

PreventionGenetics, part of Exact Sciences
Classification: Benign for ABCB11-related condition. Last evaluated: 2019-07-31. Review status: no assertion criteria provided. Collection method: clinical testing. Allele origin: germline. Not counted in ClinVar's aggregate classification.
Comment: This variant is classified as benign based on ACMG/AMP sequence variant interpretation guidelines (Richards et al. 2015 PMID: 25741868, with internal and published modifications).

Literature cited by the submitters: PubMed 16763017 (cited by Genomenon, Inc); PubMed 22795478 (cited by Genomenon, Inc).

NM_003742.4(ABCB11):c.2943C>T (p.Tyr981=)

Gene: ABCB11 (ATP binding cassette subfamily B member 11; minus strand). Cytogenetic location: 2q31.1.
Variant type: single nucleotide variant.
Coding change: c.2943C>T on transcript NM_003742.4 (MANE Select); coding-DNA position 2943, C replaced by T.
Protein change: p.Tyr981=; no amino-acid change (tyrosine 981 retained).
Molecular consequence: synonymous variant.
Genome position (GRCh38, 1-based): chr2:168,935,297, G>A on the plus strand (C>T on the coding strand, the complement: ABCB11 is on the minus strand). VCF-style: chr2-168935297-G-A. GRCh37 (hg19) VCF-style: chr2-169791807-G-A.
Other names: c.2943C>T, p.Tyr981= (LRG_1199t1).
Identifiers: ClinVar variation 195750 (VCV000195750.48), dbSNP rs145720664, ClinGen allele CA201922.